The following is an entry in ClinVar:

ClinVar aggregate classification (germline): Uncertain significance (1 of 4 stars; one submission).

Conditions:
Cryopyrin associated periodic syndrome (CAPS). Identifiers: Orphanet 208650, MedGen C2316212, MONDO:0016168.

Submission:

Labcorp Genetics (formerly Invitae), Labcorp
Classification: Uncertain significance for Cryopyrin associated periodic syndrome. Last evaluated: 2021-05-16. Review status: criteria provided, single submitter. Criteria: Invitae Variant Classification Sherloc (09022015). Collection method: clinical testing. Allele origin: germline.
Comment: In summary, the available evidence is currently insufficient to determine the role of this variant in disease. Therefore, it has been classified as a Variant of Uncertain Significance. Algorithms developed to predict the effect of missense changes on protein structure and function (SIFT, PolyPhen-2, Align-GVGD) all suggest that this variant is likely to be tolerated, but these predictions have not been confirmed by published functional studies and their clinical significance is uncertain. This variant has not been reported in the literature in individuals with NLRP3-related conditions. This variant is not present in population databases (ExAC no frequency). This sequence change replaces tyrosine with asparagine at codon 649 of the NLRP3 protein (p.Tyr649Asn). The tyrosine residue is weakly conserved and there is a large physicochemical difference between tyrosine and asparagine.

NM_001243133.2(NLRP3):c.1939T>A (p.Tyr647Asn)

Gene: NLRP3 (NLR family pyrin domain containing 3; plus strand). Cytogenetic location: 1q44.
Variant type: single nucleotide variant.
Coding change: c.1939T>A on transcript NM_001243133.2 (MANE Select); coding-DNA position 1939, T replaced by A.
Protein change: p.Tyr647Asn; replaces tyrosine 647 with asparagine.
Molecular consequence: missense variant.
Genome position (GRCh38, 1-based): chr1:247,425,388, T>A. VCF-style: chr1-247425388-T-A. GRCh37 (hg19) VCF-style: chr1-247588690-T-A.
Other names: c.1939T>A, p.Tyr647Asn (NM_001079821.3, NM_001127461.3, NM_001127462.3 and 1 more transcripts); c.1945T>A, p.Tyr649Asn (NM_004895.5); short protein forms Y647N, Y649N.
Identifiers: ClinVar variation 1409899 (VCV001409899.8), dbSNP rs2103113246, ClinGen allele CA345558234.
Genomic context (GRCh38, chr1:247,425,388, plus strand): 5'-GAATTGTTCTACTGTTTGTACGAGATGCAGGAGGAGGACTTCGTGCAAAGGGCCATGGAC[T>A]ATTTCCCCAAGATTGAGATCAATCTCTCCACCAGAATGGACCACATGGTTTCTTCCTTTT-3'
Protein context (NP_001230062.1, residues 637-657): EEDFVQRAMD[Tyr647Asn]FPKIEINLST